The following is an entry in ClinVar:

NM_005228.5(EGFR):c.2127_2129del (p.Glu709_Thr710delinsAsp)

Gene: EGFR (epidermal growth factor receptor; plus strand). Cytogenetic location: 7p11.2.
Variant type: Deletion.
Coding change: c.2127_2129del on transcript NM_005228.5 (MANE Select); coding-DNA positions 2127 to 2129, 3 bases deleted (AAC; older notation c.2127_2129delAAC).
Protein change: p.Glu709_Thr710delinsAsp.
Molecular consequence: inframe indel.
Genome position (GRCh38, 1-based): chr7:55,173,986-55,173,988, AAC deleted. VCF-style (leftmost placement, unchanged base first): chr7-55173985-AAAC-A. GRCh37 (hg19) VCF-style: chr7-55241678-AAAC-A.
Other names: c.1992_1994del, p.Glu664_Thr665delinsAsp (NM_001346897.2, NM_001346899.2); c.2127_2129del, p.Glu709_Thr710delinsAsp (NM_001346898.2); c.1968_1970del, p.Glu656_Thr657delinsAsp (NM_001346900.2); c.1326_1328del, p.Glu442_Thr443delinsAsp (NM_001346941.2).
Identifiers: ClinVar variation 45220 (VCV000045220.4), dbSNP rs397517086, ClinGen allele CA135764.
Genomic context (GRCh38, chr7:55,173,985, plus strand): 5'-TGGAGCCTCTTACACCCAGTGGAGAAGCTCCCAACCAAGCTCTCTTGAGGATCTTGAAGG[AAAC>A]TGAATTCAAAAAGATCAAAGTGCTGGGCTCCGGTGCGTTCGGCACGGTGTATAAGGTAAG-3'

ClinVar aggregate classification (germline): Pathogenic (1 of 4 stars; one submission).

Conditions:
Non-small cell lung carcinoma (NSCLC). Also called: Non-small cell lung cancer. Identifiers: MedGen C0007131, MeSH D002289, MONDO:0005233, HP:0030358. Disease mechanism: Other.

Submission:

Laboratory for Molecular Medicine, Mass General Brigham Personalized Medicine
Classification: Pathogenic for Non-Small Cell Lung Cancer. Last evaluated: 2011-06-15. Review status: criteria provided, single submitter. Criteria: LMM Criteria. Collection method: clinical testing. Allele origin: somatic. Observed: 3 variant alleles.
Comment: The Glu709_Thr710delinsAsp variant has been previously reported as a somatic variant in the literature in several individuals with lung adenocarcinoma (Reinmuth 2008, COSMIC). TKI response was not evaluated in these individuals.

Literature cited by the submitters: PubMed 18450321.